The following is an entry in ClinVar:

ClinVar aggregate classification (germline): Uncertain significance (1 of 4 stars; one submission).

Allele frequency attached by ClinVar (database versions not stated): TOPMed 0.00001.

Submission:

Ambry Genetics
Classification: Uncertain significance. Last evaluated: 2022-01-18. Review status: criteria provided, single submitter. Criteria: Ambry Variant Classification Scheme 2023. Collection method: clinical testing. Allele origin: germline.
Comment: The p.V1765L variant (also known as c.5293G>C), located in coding exon 16 of the POLQ gene, results from a G to C substitution at nucleotide position 5293. The valine at codon 1765 is replaced by leucine, an amino acid with highly similar properties. This amino acid position is conserved. In addition, this alteration is predicted to be tolerated by in silico analysis. Since supporting evidence is limited at this time, the clinical significance of this alteration remains unclear.

NM_199420.4(POLQ):c.5293G>C (p.Val1765Leu)

Gene: POLQ (DNA polymerase theta; minus strand). Cytogenetic location: 3q13.33.
Variant type: single nucleotide variant.
Coding change: c.5293G>C on transcript NM_199420.4 (MANE Select); coding-DNA position 5293, G replaced by C.
Protein change: p.Val1765Leu; replaces valine 1765 with leucine.
Molecular consequence: missense variant.
Genome position (GRCh38, 1-based): chr3:121,487,638, C>G on the plus strand (G>C on the coding strand, the complement: POLQ is on the minus strand). VCF-style: chr3-121487638-C-G. GRCh37 (hg19) VCF-style: chr3-121206485-C-G.
Other names: short protein forms V1765L.
Identifiers: ClinVar variation 1746647 (VCV001746647.2), dbSNP rs2048023514, ClinGen allele CA354090657.